The following is an entry in ClinVar:

NM_006030.4(CACNA2D2):c.308A>G (p.Asn103Ser)

Gene: CACNA2D2 (calcium voltage-gated channel auxiliary subunit alpha2delta 2; minus strand). Cytogenetic location: 3p21.31.
Variant type: single nucleotide variant.
Coding change: c.308A>G on transcript NM_006030.4 (MANE Select); coding-DNA position 308, A replaced by G.
Protein change: p.Asn103Ser; replaces asparagine 103 with serine.
Molecular consequence: missense variant.
Genome position (GRCh38, 1-based): chr3:50,434,410, T>C on the plus strand (A>G on the coding strand, the complement: CACNA2D2 is on the minus strand). VCF-style: chr3-50434410-T-C. GRCh37 (hg19) VCF-style: chr3-50471841-T-C.
Other names: c.308A>G, p.Asn103Ser (NM_001005505.3, NM_001174051.3); c.101A>G, p.Asn34Ser (NM_001291101.1); short protein forms N103S, N34S.
Identifiers: ClinVar variation 844192 (VCV000844192.7), dbSNP rs1708215334, ClinGen allele CA353001267.

ClinVar aggregate classification (germline): Uncertain significance (1 of 4 stars; one submission).

Conditions:
Early-infantile DEE. Also called: Ohtahara syndrome; Early infantile epileptic encephalopathy with suppression bursts; Early infantile epileptic encephalopathy. Identifiers: Orphanet 1934, MedGen C0393706, MONDO:0800491.

Submission:

Labcorp Genetics (formerly Invitae), Labcorp
Classification: Uncertain significance for Early-infantile DEE. Last evaluated: 2022-07-19. Review status: criteria provided, single submitter. Criteria: Invitae Variant Classification Sherloc (09022015). Collection method: clinical testing. Allele origin: germline.
Comment: In summary, the available evidence is currently insufficient to determine the role of this variant in disease. Therefore, it has been classified as a Variant of Uncertain Significance. Algorithms developed to predict the effect of missense changes on protein structure and function are either unavailable or do not agree on the potential impact of this missense change (SIFT: "Deleterious"; PolyPhen-2: "Benign"; Align-GVGD: "Class C0"). ClinVar contains an entry for this variant (Variation ID: 844192). This variant has not been reported in the literature in individuals affected with CACNA2D2-related conditions. This variant is not present in population databases (gnomAD no frequency). This sequence change replaces asparagine, which is neutral and polar, with serine, which is neutral and polar, at codon 103 of the CACNA2D2 protein (p.Asn103Ser).